The following is an entry in ClinVar:

ClinVar aggregate classification (germline): Uncertain significance (1 of 4 stars; one submission).

Conditions:
Hereditary cancer-predisposing syndrome. Also called: Neoplastic Syndromes, Hereditary; Tumor predisposition; Hereditary Cancer Syndrome; Hereditary neoplastic syndrome. Identifiers: Orphanet 140162, MedGen C0027672, MeSH D009386, MONDO:0015356.

Submission:

Ambry Genetics
Classification: Uncertain significance for Hereditary cancer-predisposing syndrome. Last evaluated: 2024-11-16. Review status: criteria provided, single submitter. Criteria: Ambry Variant Classification Scheme 2023. Collection method: clinical testing. Allele origin: germline.
Comment: The p.G55D variant (also known as c.164G>A), located in coding exon 1 of the HOXB13 gene, results from a G to A substitution at nucleotide position 164. The glycine at codon 55 is replaced by aspartic acid, an amino acid with similar properties. This amino acid position is conserved. In addition, this alteration is predicted to be tolerated by in silico analysis. Since supporting evidence is limited at this time, the clinical significance of this alteration remains unclear.

NM_006361.6(HOXB13):c.164G>A (p.Gly55Asp)

Gene: HOXB13 (homeobox B13; minus strand). Cytogenetic location: 17q21.32.
Variant type: single nucleotide variant.
Coding change: c.164G>A on transcript NM_006361.6 (MANE Select); coding-DNA position 164, G replaced by A.
Protein change: p.Gly55Asp; replaces glycine 55 with aspartic acid.
Molecular consequence: missense variant.
Genome position (GRCh38, 1-based): chr17:48,728,430, C>T on the plus strand (G>A on the coding strand, the complement: HOXB13 is on the minus strand). VCF-style: chr17-48728430-C-T. GRCh37 (hg19) VCF-style: chr17-46805792-C-T.
Other names: short protein forms G55D.
Identifiers: ClinVar variation 1777228 (VCV001777228.3), dbSNP rs1488986619, ClinGen allele CA400109026.